The following is an entry in ClinVar:

NM_001267550.2(TTN):c.79546G>A (p.Gly26516Ser)

Genes: TTN (titin; minus strand), TTN-AS1 (TTN antisense RNA 1; plus strand). Cytogenetic location: 2q31.2.
Variant type: single nucleotide variant.
Coding change: c.79546G>A on transcript NM_001267550.2 (MANE Select); coding-DNA position 79546, G replaced by A.
Protein change: p.Gly26516Ser; replaces glycine 26516 with serine.
Molecular consequence: missense variant.
Genome position (GRCh38, 1-based): chr2:178,566,586, C>T on the plus strand (G>A on the coding strand, the complement: TTN is on the minus strand). VCF-style: chr2-178566586-C-T. GRCh37 (hg19) VCF-style: chr2-179431313-C-T.
Other names: c.74623G>A, p.Gly24875Ser (NM_001256850.1); c.52351G>A, p.Gly17451Ser (NM_003319.4); c.71842G>A, p.Gly23948Ser (NM_133378.4); c.52726G>A, p.Gly17576Ser (NM_133432.3); c.52927G>A, p.Gly17643Ser (NM_133437.4); short protein forms G26516S, G24875S, G23948S, G17451S, G17643S, G17576S.
Identifiers: ClinVar variation 405063 (VCV000405063.22), dbSNP rs776256093, ClinGen allele CA1989460.

ClinVar aggregate classification (germline): Conflicting classifications of pathogenicity. Review status: criteria provided, conflicting classifications (1 of 4 stars). 8 submissions from 8 submitters: Uncertain significance (7); Likely benign (1). Last evaluated 2026-05-22.

Conditions:
TTN-related disorder. Also called: TTN-related disorders; TTN-related condition; TTN-related disease.
Cardiovascular phenotype. Identifiers: MedGen CN230736.
Autosomal recessive limb-girdle muscular dystrophy type 2J (LGMDR10). Also called: Limb-girdle muscular dystrophy, type 2J; MUSCULAR DYSTROPHY, LIMB-GIRDLE, AUTOSOMAL RECESSIVE 10. Identifiers: Orphanet 140922, MedGen C1837342, MONDO:0012127, OMIM 608807.
Dilated cardiomyopathy 1G (CMD1G). Identifiers: Orphanet 154, MedGen C1858763, MONDO:0011400, OMIM 604145.

Allele frequency attached by ClinVar (database versions not stated): gnomAD exomes 0.00001 and 0.00003; ExAC 0.00002; gnomAD 0.00015 and 0.00016; TOPMed 0.00029.
gnomAD v4.1: 43 of 1,612,576 alleles (0.0027%); highest among the groups gnomAD compares: Admixed American, 0.038%; no homozygotes.

Submissions (8):

PreventionGenetics, part of Exact Sciences
Classification: Uncertain significance for TTN-related condition. Last evaluated: 2026-05-22. Review status: criteria provided, single submitter. Criteria: ACMG Guidelines, 2015. Collection method: clinical testing. Allele origin: germline.
Comment: The TTN c.79546G>A variant is predicted to result in the amino acid substitution p.Gly26516Ser. To our knowledge, this variant has not been reported in the literature. This variant is reported in 0.0085% of alleles in individuals of Latino descent in gnomAD. At this time, the clinical significance of this variant is uncertain due to the absence of conclusive functional and genetic evidence.

Revvity Omics, Revvity
Classification: Uncertain significance. Last evaluated: 2025-07-28. Review status: criteria provided, single submitter. Criteria: ACMG Guidelines, 2015. Collection method: clinical testing. Allele origin: germline.

Women's Health and Genetics/Laboratory Corporation of America, LabCorp
Classification: Uncertain significance. Last evaluated: 2020-11-17. Review status: criteria provided, single submitter. Criteria: LabCorp Variant Classification Summary - May 2015. Collection method: clinical testing. Allele origin: germline.
Comment: Variant summary: TTN c.71842G>A (p.Gly23948Ser) results in a non-conservative amino acid change located in the A-band region of the encoded protein sequence. Five of five in-silico tools predict a damaging effect of the variant on protein function. The variant allele was found at a frequency of 2.8e-05 in 247684 control chromosomes (gnomAD). The available data on variant occurrences in the general population are insufficient to allow any conclusion about variant significance. To our knowledge, no occurrence of c.71842G>A in individuals affected with Dilated Cardiomyopathy and no experimental evidence demonstrating its impact on protein function have been reported. Three ClinVar submitters (evaluation after 2014) cite the variant as likely benign (n=1) or uncertain significance (n=2). Based on the evidence outlined above, the variant was classified as uncertain significance.

ARUP Laboratories, Molecular Genetics and Genomics, ARUP Laboratories
Classification: Uncertain significance. Last evaluated: 2020-07-24. Review status: criteria provided, single submitter. Criteria: ARUP Molecular Germline Variant Investigation Process. Collection method: clinical testing. Allele origin: germline.
Comment: The TTN c.79546G>A, p.Gly26516Ser variant (rs776256093; ClinVar Variation ID: 405063) is rare in the general population (<0.2% allele frequency in the Genome Aggregation Database) and has not been reported in the medical literature in association with dilated cardiomyopathy (DCM) or other TTN-related disease. The clinical relevance of rare missense variants in this gene, which are identified on average once per individual sequenced in affected populations (Herman 2012), is not well understood. Yet, evidence suggests that the vast majority of such missense variants do not contribute to the clinical outcome of DCM (Begay 2015). Thus, the clinical significance of the p.Gly26516Ser variant cannot be determined with certainty. References: Begay RL et al. Role of Titin Missense Variants in Dilated Cardiomyopathy. J Am Heart Assoc. 2015 Nov 13;4(11). Herman DS et al. Truncations of titin causing dilated cardiomyopathy. N Engl J Med. 2012 Feb 16;366(7):619-28. Linke WA and Hamdani N. Gigantic business: titin properties and function through thick and thin. Circ Res 2014; 114(6): 1052-1068.

GeneDx
Classification: Likely benign. Last evaluated: 2020-06-12. Review status: criteria provided, single submitter. Criteria: GeneDx Variant Classification Process June 2021. Collection method: clinical testing. Allele origin: germline. Affected: yes.

Ambry Genetics
Classification: Uncertain significance for Cardiovascular phenotype. Last evaluated: 2018-09-12. Review status: criteria provided, single submitter. Criteria: Ambry Variant Classification Scheme 2023. Collection method: clinical testing. Allele origin: germline.
Comment: The p.G17451S variant (also known as c.52351G>A), located in coding exon 153 of the TTN gene, results from a G to A substitution at nucleotide position 52351. The glycine at codon 17451 is replaced by serine, an amino acid with similar properties. This amino acid position is highly conserved in available vertebrate species. In addition, this alteration is predicted to be tolerated by in silico analysis. Since supporting evidence is limited at this time, the clinical significance of this alteration remains unclear.

Eurofins Ntd Llc (ga)
Classification: Uncertain significance. Last evaluated: 2018-03-16. Review status: criteria provided, single submitter. Criteria: EGL ClinVar v180209 classification definitions. Collection method: clinical testing. Allele origin: germline. Observed: 3 variant alleles, 3 heterozygotes.

Labcorp Genetics (formerly Invitae), Labcorp
Classification: Uncertain significance for Dilated cardiomyopathy 1G; Autosomal recessive limb-girdle muscular dystrophy type 2J. Last evaluated: 2017-12-15. Review status: criteria provided, single submitter. Criteria: Invitae Variant Classification Sherloc (09022015). Collection method: clinical testing. Allele origin: germline.